The following is an entry in ClinVar:

ClinVar aggregate classification (germline): Uncertain significance (1 of 4 stars; one submission).

Allele frequency attached by ClinVar (database versions not stated): ESP Exome Variant Server 0.00015.

Submission:

Labcorp Genetics (formerly Invitae), Labcorp
Classification: Uncertain significance. Last evaluated: 2025-11-30. Review status: criteria provided, single submitter. Criteria: Invitae Variant Classification Sherloc (09022015). Collection method: clinical testing. Allele origin: germline.
Comment: This sequence change replaces glutamic acid, which is acidic and polar, with lysine, which is basic and polar, at codon 117 of the SHPK protein (p.Glu117Lys). This variant is present in population databases (rs145004665, gnomAD 0.1%), and has an allele count higher than expected for a pathogenic variant. This variant has not been reported in the literature in individuals affected with SHPK-related conditions. ClinVar contains an entry for this variant (Variation ID: 1364380). An algorithm developed to predict the effect of missense changes on protein structure and function outputs the following: PolyPhen-2: "Benign". The lysine amino acid residue is found in multiple mammalian species, which suggests that this missense change does not adversely affect protein function. In summary, the available evidence is currently insufficient to determine the role of this variant in disease. Therefore, it has been classified as a Variant of Uncertain Significance.

NM_013276.4(SHPK):c.349G>A (p.Glu117Lys)

Genes: SHPK (sedoheptulokinase; minus strand), LOC126862464 (MED14-independent group 3 enhancer GRCh37_chr17:3526895-3528094; plus strand). Cytogenetic location: 17p13.2.
Variant type: single nucleotide variant.
Coding change: c.349G>A on transcript NM_013276.4 (MANE Select); coding-DNA position 349, G replaced by A.
Protein change: p.Glu117Lys; replaces glutamic acid 117 with lysine.
Molecular consequence: missense variant.
Genome position (GRCh38, 1-based): chr17:3,624,193, C>T on the plus strand (G>A on the coding strand, the complement: SHPK is on the minus strand). VCF-style: chr17-3624193-C-T. GRCh37 (hg19) VCF-style: chr17-3527487-C-T.
Other names: short protein forms E117K.
Identifiers: ClinVar variation 1364380 (VCV001364380.7), dbSNP rs145004665, ClinGen allele CA8291356.